The following is an entry in ClinVar:

ClinVar aggregate classification (germline): Uncertain significance (1 of 4 stars; one submission).

Allele frequency attached by ClinVar (database versions not stated): ExAC 0.00001; ESP Exome Variant Server 0.00008.
gnomAD v4.1: 2 of 1,612,090 alleles (0.00012%); highest among the groups gnomAD compares: Non-Finnish European, 0.00017%; no homozygotes.

Submission:

Ambry Genetics
Classification: Uncertain significance. Last evaluated: 2024-11-15. Review status: criteria provided, single submitter. Criteria: Ambry Variant Classification Scheme 2023. Collection method: clinical testing. Allele origin: germline.
Comment: The p.A502V variant (also known as c.1505C>T), located in coding exon 13 of the BUB1 gene, results from a C to T substitution at nucleotide position 1505. The alanine at codon 502 is replaced by valine, an amino acid with similar properties. This amino acid position is conserved. In addition, this alteration is predicted to be tolerated by in silico analysis. Since supporting evidence is limited at this time, the clinical significance of this alteration remains unclear.

NM_004336.5(BUB1):c.1505C>T (p.Ala502Val)

Gene: BUB1 (BUB1 mitotic checkpoint serine/threonine kinase; minus strand). Cytogenetic location: 2q13.
Variant type: single nucleotide variant.
Coding change: c.1505C>T on transcript NM_004336.5 (MANE Select); coding-DNA position 1505, C replaced by T.
Protein change: p.Ala502Val; replaces alanine 502 with valine.
Molecular consequence: missense variant.
Genome position (GRCh38, 1-based): chr2:110,658,421, G>A on the plus strand (C>T on the coding strand, the complement: BUB1 is on the minus strand). VCF-style: chr2-110658421-G-A. GRCh37 (hg19) VCF-style: chr2-111415998-G-A.
Other names: c.1445C>T, p.Ala482Val (NM_001278616.2); c.1505C>T, p.Ala502Val (NM_001278617.2); short protein forms A482V, A502V.
Identifiers: ClinVar variation 1774076 (VCV001774076.3), dbSNP rs143052068, ClinGen allele CA1828062.